The following is an entry in ClinVar:

ClinVar aggregate classification (germline): Benign/Likely benign. Review status: criteria provided, multiple submitters, no conflicts (2 of 4 stars). 6 submissions from 6 submitters: Benign (1); Likely benign (5). Last evaluated 2025-07-15.

Conditions:
Hereditary nonpolyposis colorectal neoplasms. Identifiers: MedGen C0009405, MeSH D003123.
Lynch syndrome 5 (LYNCH5). Also called: Colorectal cancer, hereditary nonpolyposis, type 5; Hereditary non-polyposis colorectal cancer, type 5. Identifiers: Orphanet 144, MedGen C1833477, MONDO:0013710, OMIM 614350. Disease mechanism: loss of function.
Hereditary cancer-predisposing syndrome. Also called: Neoplastic Syndromes, Hereditary; Tumor predisposition; Hereditary Cancer Syndrome; Hereditary neoplastic syndrome. Identifiers: Orphanet 140162, MedGen C0027672, MeSH D009386, MONDO:0015356.

Allele frequency attached by ClinVar (database versions not stated): gnomAD exomes below 0.00001.
gnomAD v4.1: 1 of 1,614,150 alleles (0.000062%); highest among the groups gnomAD compares: Non-Finnish European, 0.000085%; no homozygotes.

Submissions (6):

Labcorp Genetics (formerly Invitae), Labcorp
Classification: Likely benign for Hereditary nonpolyposis colorectal neoplasms. Last evaluated: 2025-07-15. Review status: criteria provided, single submitter. Criteria: Invitae Variant Classification Sherloc (09022015). Collection method: clinical testing. Allele origin: germline.

Myriad Genetics, Inc.
Classification: Benign for Lynch syndrome 5. Last evaluated: 2024-12-30. Review status: criteria provided, single submitter. Criteria: Myriad Autosomal Dominant, Autosomal Recessive and X-Linked Classification Criteria (2023). Collection method: clinical testing. Allele origin: unknown.
Comment: This variant is considered benign. This variant is a silent/synonymous amino acid change and it is not expected to impact splicing.

Women's Health and Genetics/Laboratory Corporation of America, LabCorp
Classification: Likely benign. Last evaluated: 2022-05-05. Review status: criteria provided, single submitter. Criteria: LabCorp Variant Classification Summary - May 2015. Collection method: clinical testing. Allele origin: germline.

Color Diagnostics, LLC DBA Color Health
Classification: Likely benign for Hereditary cancer-predisposing syndrome. Last evaluated: 2018-05-15. Review status: criteria provided, single submitter. Criteria: ACMG Guidelines, 2015. Collection method: clinical testing. Allele origin: germline.

GeneDx
Classification: Likely benign. Last evaluated: 2017-05-29. Review status: criteria provided, single submitter. Criteria: GeneDx Variant Classification (06012015). Collection method: clinical testing. Allele origin: germline. Affected: yes.
Comment: This variant is considered likely benign or benign based on one or more of the following criteria: it is a conservative change, it occurs at a poorly conserved position in the protein, it is predicted to be benign by multiple in silico algorithms, and/or has population frequency not consistent with disease.

Ambry Genetics
Classification: Likely benign for Hereditary cancer-predisposing syndrome. Last evaluated: 2015-04-23. Review status: criteria provided, single submitter. Criteria: Ambry Variant Classification Scheme 2023. Collection method: clinical testing. Allele origin: germline.

NM_000179.3(MSH6):c.2181C>G (p.Thr727=)

Gene: MSH6 (mutS homolog 6; plus strand). Cytogenetic location: 2p16.3.
Variant type: single nucleotide variant.
Coding change: c.2181C>G on transcript NM_000179.3 (MANE Select); coding-DNA position 2181, C replaced by G.
Protein change: p.Thr727=; no amino-acid change (threonine 727 retained).
Molecular consequence: synonymous variant.
Genome position (GRCh38, 1-based): chr2:47,800,164, C>G. VCF-style: chr2-47800164-C-G. GRCh37 (hg19) VCF-style: chr2-48027303-C-G.
Other names: c.1791C>G, p.Thr597= (NM_001281492.2); c.1275C>G, p.Thr425= (NM_001281493.2, NM_001281494.2).
Identifiers: ClinVar variation 231458 (VCV000231458.20), dbSNP rs876659171, ClinGen allele CA10578097.